The following is an entry in ClinVar:

NM_080680.3(COL11A2):c.473dup (p.Gln159fs)

Gene: COL11A2 (collagen type XI alpha 2 chain; minus strand). Cytogenetic location: 6p21.32.
Variant type: Duplication.
Coding change: c.473dup on transcript NM_080680.3 (MANE Select); coding-DNA position 473, one base duplicated (G; older notation c.473dupG).
Protein change: p.Gln159fs; shifts the reading frame from glutamine 159.
Molecular consequence: frameshift variant. On other transcripts: non-coding transcript variant (1), 5 prime UTR variant (3).
Genome position (GRCh38, 1-based): chr6:33,188,495, C duplicated on the plus strand (G on the coding strand, the reverse complement: COL11A2 is on the minus strand); the first of 3 consecutive C bases (chr6:33,188,495-33,188,497); duplicating any one gives the same sequence. VCF-style (leftmost placement, unchanged base first): chr6-33188494-G-GC. GRCh37 (hg19) VCF-style: chr6-33156271-G-GC.
Other names: c.473dup, p.Gln159fs (NM_080681.3, NM_001163771.2, NM_001424108.1 and 1 more transcripts); c.-374dup (NM_001424109.1, NM_001424110.1, NM_001424111.1); short protein forms Q159fs.
Identifiers: ClinVar variation 2815544 (VCV002815544.3), dbSNP rs2535537579, ClinGen allele CA2739272932.

ClinVar aggregate classification (germline): Pathogenic (1 of 4 stars; one submission).

Submission:

Labcorp Genetics (formerly Invitae), Labcorp
Classification: Pathogenic. Last evaluated: 2023-06-15. Review status: criteria provided, single submitter. Criteria: Invitae Variant Classification Sherloc (09022015). Collection method: clinical testing. Allele origin: germline.
Comment: For these reasons, this variant has been classified as Pathogenic. This variant has not been reported in the literature in individuals affected with COL11A2-related conditions. This variant is not present in population databases (gnomAD no frequency). This sequence change creates a premature translational stop signal (p.Gln159Profs*8) in the COL11A2 gene. It is expected to result in an absent or disrupted protein product. Loss-of-function variants in COL11A2 are known to be pathogenic (PMID: 10677296, 21204229).

Literature cited by the submitters: PubMed 10677296; PubMed 21204229.